The following is an entry in ClinVar:

ClinVar aggregate classification (germline): Likely benign (1 of 4 stars; one submission).

gnomAD v4.1: 640 of 1,609,470 alleles (0.04%); highest among the groups gnomAD compares: Admixed American, 1%; 2 homozygotes.

Submission:

GeneDx
Classification: Likely benign. Last evaluated: 2018-07-06. Review status: criteria provided, single submitter. Criteria: GeneDx Variant Classification Process June 2021. Collection method: clinical testing. Allele origin: germline. Affected: yes.
Comment: See Variant Classification Assertion Criteria.

NM_015268.4(DNAJC13):c.6061-25A>C

Gene: DNAJC13 (DnaJ heat shock protein family (Hsp40) member C13; plus strand). Cytogenetic location: 3q22.1.
Variant type: single nucleotide variant.
Coding change: c.6061-25A>C on transcript NM_015268.4 (MANE Select); 25 bases into the intron before coding-DNA position 6061, A replaced by C.
Molecular consequence: intron variant.
Genome position (GRCh38, 1-based): chr3:132,525,585, A>C. VCF-style: chr3-132525585-A-C. GRCh37 (hg19) VCF-style: chr3-132244429-A-C.
Other names: c.6076-25A>C (NM_001329126.2).
Identifiers: ClinVar variation 4795407 (VCV004795407.1).
Genomic context (GRCh38, chr3:132,525,585, plus strand): 5'-GTTTTGAACACCAAATACATTACCTTGGATATTTAGGGCTGTATGAGTATTTTATAGTTG[A>C]TTTATTTTTGTTTTACACCTGCAGGGAGAAACTCTGGAAACCTTGACAATGGCAACAGTG-3'